The following is an entry in ClinVar:

ClinVar aggregate classification (germline): Uncertain significance. Review status: criteria provided, multiple submitters, no conflicts (2 of 4 stars). 2 submissions from 2 submitters: Uncertain significance (2). Last evaluated 2024-12-11.

Conditions:
3-methylglutaconic aciduria type 1 (MGCA1). Identifiers: Orphanet 67046, MedGen C0342727, MONDO:0009610, OMIM 250950.
Inborn genetic diseases. Identifiers: MedGen C0950123, MeSH D030342.

Allele frequency attached by ClinVar (database versions not stated): gnomAD exomes below 0.00001; TOPMed below 0.00001.
gnomAD v4.1: 2 of 1,613,192 alleles (0.00012%); highest among the groups gnomAD compares: Non-Finnish European, 0.00017%; no homozygotes.

Submissions (2):

Ambry Genetics
Classification: Uncertain significance for Inborn genetic diseases. Last evaluated: 2024-12-11. Review status: criteria provided, single submitter. Criteria: Ambry Variant Classification Scheme 2023. Collection method: clinical testing. Allele origin: germline.

Labcorp Genetics (formerly Invitae), Labcorp
Classification: Uncertain significance for 3-methylglutaconic aciduria type 1. Last evaluated: 2021-01-06. Review status: criteria provided, single submitter. Criteria: Invitae Variant Classification Sherloc (09022015). Collection method: clinical testing. Allele origin: germline.
Comment: This sequence change replaces alanine with valine at codon 117 of the AUH protein (p.Ala117Val). The alanine residue is weakly conserved and there is a small physicochemical difference between alanine and valine. In summary, the available evidence is currently insufficient to determine the role of this variant in disease. Therefore, it has been classified as a Variant of Uncertain Significance. Algorithms developed to predict the effect of missense changes on protein structure and function (SIFT, PolyPhen-2, Align-GVGD) all suggest that this variant is likely to be tolerated, but these predictions have not been confirmed by published functional studies and their clinical significance is uncertain. This variant has not been reported in the literature in individuals with AUH-related conditions. This variant is not present in population databases (ExAC no frequency).

NM_001698.3(AUH):c.350C>T (p.Ala117Val)

Gene: AUH (AU RNA binding methylglutaconyl-CoA hydratase; minus strand). Cytogenetic location: 9q22.31.
Variant type: single nucleotide variant.
Coding change: c.350C>T on transcript NM_001698.3 (MANE Select); coding-DNA position 350, C replaced by T.
Protein change: p.Ala117Val; replaces alanine 117 with valine.
Molecular consequence: missense variant.
Genome position (GRCh38, 1-based): chr9:91,355,951, G>A on the plus strand (C>T on the coding strand, the complement: AUH is on the minus strand). VCF-style: chr9-91355951-G-A. GRCh37 (hg19) VCF-style: chr9-94118233-G-A.
Other names: c.350C>T (NM_001698.2); c.350C>T, p.Ala117Val (NM_001306190.2); c.23C>T, p.Ala8Val (NM_001351431.2, NM_001351432.2, NM_001351433.2); short protein forms A8V, A117V.
Identifiers: ClinVar variation 1481020 (VCV001481020.9), dbSNP rs1832379274, ClinGen allele CA373835965.